The following is an entry in ClinVar:

ClinVar aggregate classification (germline): Uncertain significance (1 of 4 stars; one submission).

Submission:

Ambry Genetics
Classification: Uncertain significance. Last evaluated: 2021-09-23. Review status: criteria provided, single submitter. Criteria: Ambry Variant Classification Scheme 2023. Collection method: clinical testing. Allele origin: germline.
Comment: The p.W267R variant (also known as c.799T>C), located in coding exon 5 of the IDH1 gene, results from a T to C substitution at nucleotide position 799. The tryptophan at codon 267 is replaced by arginine, an amino acid with dissimilar properties. This amino acid position is conserved. In addition, this alteration is predicted to be deleterious by in silico analysis. Since supporting evidence is limited at this time, the clinical significance of this alteration remains unclear.

NM_005896.4(IDH1):c.799T>C (p.Trp267Arg)

Gene: IDH1 (isocitrate dehydrogenase (NADP(+)) 1; minus strand). Cytogenetic location: 2q34.
Variant type: single nucleotide variant.
Coding change: c.799T>C on transcript NM_005896.4 (MANE Select); coding-DNA position 799, T replaced by C.
Protein change: p.Trp267Arg; replaces tryptophan 267 with arginine.
Molecular consequence: missense variant.
Genome position (GRCh38, 1-based): chr2:208,242,045, A>G on the plus strand (T>C on the coding strand, the complement: IDH1 is on the minus strand). VCF-style: chr2-208242045-A-G. GRCh37 (hg19) VCF-style: chr2-209106769-A-G.
Other names: c.799T>C, p.Trp267Arg (NM_001282386.1, NM_001282387.1); short protein forms W267R.
Identifiers: ClinVar variation 1761558 (VCV001761558.2), dbSNP rs999038001, ClinGen allele CA350096316.